The following is an entry in ClinVar:

NM_003000.3(SDHB):c.607_616del (p.Gly203fs)

Gene: SDHB (succinate dehydrogenase complex iron sulfur subunit B; minus strand). Cytogenetic location: 1p36.13.
Variant type: Deletion.
Coding change: c.607_616del on transcript NM_003000.3 (MANE Select); coding-DNA positions 607 to 616, 10 bases deleted (GGAGACAAAT; older notation c.607_616delGGAGACAAAT).
Protein change: p.Gly203fs; shifts the reading frame from glycine 203.
Molecular consequence: frameshift variant.
Genome position (GRCh38, 1-based): chr1:17,023,999-17,024,008, ATTTGTCTCC deleted on the plus strand (GGAGACAAAT on the coding strand, the reverse complement: SDHB is on the minus strand). VCF-style (leftmost placement, unchanged base first): chr1-17023998-TATTTGTCTCC-T. GRCh37 (hg19) VCF-style: chr1-17350493-TATTTGTCTCC-T.
Other names: c.607_616delGGAGACAAAT (NM_003000.2); short protein forms G203fs.
Identifiers: ClinVar variation 142653 (VCV000142653.11), dbSNP rs587782617, ClinGen allele CA016035.

ClinVar aggregate classification (germline): Pathogenic. Review status: criteria provided, multiple submitters, no conflicts (2 of 4 stars). 3 submissions from 3 submitters: Pathogenic (3). Last evaluated 2025-08-20.

Conditions:
Gastrointestinal stromal tumor. Also called: Gastrointestinal stromal tumor, somatic; Gastrointestinal stroma tumor. Identifiers: Orphanet 44890, MedGen C0238198, MeSH D046152, MONDO:0011719, OMIM 606764, HP:0100723.
Pheochromocytoma. Also called: MAX-Related Hereditary Paraganglioma-Pheochromocytoma Syndrome. Identifiers: Orphanet 29072, MedGen C0031511, MONDO:0008233, OMIM 171300, HP:0002666.
Pheochromocytoma/paraganglioma syndrome 4. Also called: Paragangliomas 4; PARAGANGLIOMA, FAMILIAL MALIGNANT; PARAGANGLIOMAS, HEREDITARY EXTRAADRENAL; PHEOCHROMOCYTOMA, FAMILIAL EXTRAADRENAL; SDHB-Related Hereditary Paraganglioma-Pheochromocytoma Syndrome; CAROTID BODY TUMORS AND MULTIPLE EXTRAADRENAL PHEOCHROMOCYTOMAS. Identifiers: Orphanet 29072, MedGen C1861848, MONDO:0007273, OMIM 115310.
Hereditary cancer-predisposing syndrome. Also called: Tumor predisposition; Neoplastic Syndromes, Hereditary; Hereditary Cancer Syndrome; Hereditary neoplastic syndrome. Identifiers: Orphanet 140162, MedGen C0027672, MeSH D009386, MONDO:0015356.

Allele frequency attached by ClinVar (database versions not stated): TOPMed below 0.00001.

Submissions (3):

Labcorp Genetics (formerly Invitae), Labcorp
Classification: Pathogenic for Gastrointestinal stromal tumor; Pheochromocytoma/paraganglioma syndrome 4; Pheochromocytoma. Last evaluated: 2025-08-20. Review status: criteria provided, single submitter. Criteria: Invitae Variant Classification Sherloc (09022015). Collection method: clinical testing. Allele origin: germline.
Comment: This sequence change creates a premature translational stop signal (p.Gly203Ilefs*14) in the SDHB gene. It is expected to result in an absent or disrupted protein product. Loss-of-function variants in SDHB are known to be pathogenic (PMID: 19454582, 19802898). This variant is not present in population databases (gnomAD no frequency). This variant has not been reported in the literature in individuals affected with SDHB-related conditions. ClinVar contains an entry for this variant (Variation ID: 142653). For these reasons, this variant has been classified as Pathogenic.

Ambry Genetics
Classification: Pathogenic for Hereditary cancer-predisposing syndrome. Last evaluated: 2023-05-24. Review status: criteria provided, single submitter. Criteria: Ambry Variant Classification Scheme 2023. Collection method: clinical testing. Allele origin: germline.
Comment: The c.607_616del10 pathogenic mutation, located in coding exon 6 of the SDHB gene, results from a deletion of 10 nucleotides at nucleotide positions 607 to 616, causing a translational frameshift with a predicted alternate stop codon (p.G203Ifs*14). This alteration has been observed in at least one individual with a personal and/or family history that is consistent with SDHB-related disease (Ambry internal data). This variant is considered to be rare based on population cohorts in the Genome Aggregation Database (gnomAD). This alteration is expected to result in loss of function by premature protein truncation or nonsense-mediated mRNA decay. As such, this alteration is interpreted as a disease-causing mutation.

GeneDx
Classification: Pathogenic. Last evaluated: 2017-01-25. Review status: criteria provided, single submitter. Criteria: GeneDx Variant Classification (06012015). Collection method: clinical testing. Allele origin: germline. Affected: yes.
Comment: This deletion of 10 nucleotides in SDHB is denoted c.607_616del10 at the cDNA level and p.Gly203IlefsX14 (G203IfsX14) at the protein level. The surrounding sequence is GAAC[del10]ATCT. The deletion causes a frameshift which changes a Glycine to an Isoleucine at codon 203, and creates a premature stop codon at position 14 of the new reading frame. Although this variant has not, to our knowledge, been reported in the literature, it is predicted to cause loss of normal protein function through either protein truncation or nonsense-mediated mRNA decay. We consider this variant to be pathogenic.

Literature cited by the submitters: PubMed 19454582 (cited by Labcorp Genetics (formerly Invitae), Labcorp); PubMed 19802898 (cited by Labcorp Genetics (formerly Invitae), Labcorp).